The following is an entry in ClinVar:

NM_000492.4(CFTR):c.3874-4A>G

Gene: CFTR (CF transmembrane conductance regulator; plus strand). Cytogenetic location: 7q31.2.
Variant type: single nucleotide variant.
Coding change: c.3874-4A>G on transcript NM_000492.4 (MANE Select); 4 bases into the intron before coding-DNA position 3874, A replaced by G.
Molecular consequence: intron variant.
Genome position (GRCh38, 1-based): chr7:117,652,838, A>G. VCF-style: chr7-117652838-A-G. GRCh37 (hg19) VCF-style: chr7-117292892-A-G.
Identifiers: ClinVar variation 53833 (VCV000053833.18), dbSNP rs201381687, ClinGen allele CA327322.
Genomic context (GRCh38, chr7:117,652,838, plus strand): 5'-AAGGGAAAAATAAAAAGTTATTTAAGTTATTCATACTTTCTTCTTCTTTTCTTTTTTGCT[A>G]TAGAAAGTATTTATTTTTTCTGGAACATTTAGAAAAAACTTGGATCCCTATGAACAGTGG-3'

ClinVar aggregate classification (germline): Conflicting classifications of pathogenicity. Review status: criteria provided, conflicting classifications (1 of 4 stars). 5 submissions from 5 submitters: Uncertain significance (2); Likely benign (2). 1 of the submissions does not count toward it. Last evaluated 2026-01-20.

Conditions:
CFTR-related disorder (CFTR-RD). Also called: CFTR-related condition; CFTR-related disorders. Identifiers: MedGen C5924204, MONDO:7770004.
Cystic fibrosis (CF). Also called: MUCOVISCIDOSIS. Identifiers: Orphanet 586, MedGen C0010674, MONDO:0009061, OMIM 219700. Disease mechanism: loss of function.

Allele frequency attached by ClinVar (database versions not stated): gnomAD exomes 0.00001 and 0.00007; ExAC 0.00002; gnomAD 0.00005; TOPMed 0.00005; ESP Exome Variant Server 0.00008.
gnomAD v4.1: 87 of 1,370,784 alleles (0.0063%); highest among the groups gnomAD compares: East Asian, 0.16%; no homozygotes.

Submissions (5):

Labcorp Genetics (formerly Invitae), Labcorp
Classification: Likely benign for Cystic fibrosis. Last evaluated: 2026-01-20. Review status: criteria provided, single submitter. Criteria: Invitae Variant Classification Sherloc (09022015). Collection method: clinical testing. Allele origin: germline.

PreventionGenetics, part of Exact Sciences
Classification: Likely benign for CFTR-related condition. Last evaluated: 2025-03-08. Review status: criteria provided, single submitter. Criteria: ACMG Guidelines, 2015. Collection method: clinical testing. Allele origin: germline.
Comment: This variant is classified as likely benign based on ACMG/AMP sequence variant interpretation guidelines (Richards et al. 2015 PMID: 25741868, with internal and published modifications).

Ambry Genetics
Classification: Uncertain significance for Cystic fibrosis. Last evaluated: 2023-12-04. Review status: criteria provided, single submitter. Criteria: Ambry Variant Classification Scheme 2023. Collection method: clinical testing. Allele origin: germline.
Comment: The c.3874-4A>G intronic variant results from an A to G substitution 4 nucleotides upstream from coding exon 24 in the CFTR gene. This nucleotide position is not well conserved in available vertebrate species. In silico splice site analysis predicts that this alteration will not have any significant effect on splicing. Since supporting evidence is limited at this time, the clinical significance of this alteration remains unclear.

Illumina Laboratory Services, Illumina
Classification: Uncertain significance for CFTR-Related Disorders. Last evaluated: 2017-07-15. Review status: criteria provided, single submitter. Criteria: ICSL Variant Classification Criteria 13 December 2019. Collection method: clinical testing. Allele origin: germline.

Counsyl
Classification: Uncertain significance for Cystic fibrosis. Last evaluated: 2016-12-28. Review status: no assertion criteria provided. Collection method: clinical testing. Allele origin: unknown. Not counted in ClinVar's aggregate classification.

Literature cited by the submitters: PubMed 35119551 (cited by Ambry Genetics).